The following is an entry in ClinVar:

NM_006206.6(PDGFRA):c.347A>G (p.His116Arg)

Gene: PDGFRA (platelet derived growth factor receptor alpha; plus strand). Cytogenetic location: 4q12.
Variant type: single nucleotide variant.
Coding change: c.347A>G on transcript NM_006206.6 (MANE Select); coding-DNA position 347, A replaced by G.
Protein change: p.His116Arg; replaces histidine 116 with arginine.
Molecular consequence: missense variant.
Genome position (GRCh38, 1-based): chr4:54,261,392, A>G. VCF-style: chr4-54261392-A-G. GRCh37 (hg19) VCF-style: chr4-55127559-A-G.
Other names: c.347A>G, p.His116Arg (NM_001347827.2, NM_001347829.2); c.422A>G, p.His141Arg (NM_001347828.2); c.386A>G, p.His129Arg (NM_001347830.2); short protein forms H116R, H129R, H141R.
Identifiers: ClinVar variation 1996567 (VCV001996567.5), dbSNP rs1722707986, ClinGen allele CA356889051.
Genomic context (GRCh38, chr4:54,261,392, plus strand): 5'-GGTTGTACACTTGCTATTACAACCACACTCAGACAGAAGAGAATGAGCTTGAAGGCAGGC[A>G]CATTTACATCTATGTGCCAGGTGAGTTGGCTGGGTCTCCAGGACCAAGCTTCTTCTCTTC-3'
Protein context (NP_006197.1, residues 106-126): QTEENELEGR[His116Arg]IYIYVPDPDV

ClinVar aggregate classification (germline): Uncertain significance. Review status: criteria provided, multiple submitters, no conflicts (2 of 4 stars). 2 submissions from 2 submitters: Uncertain significance (2). Last evaluated 2025-09-22.

Conditions:
Hereditary cancer-predisposing syndrome. Also called: Tumor predisposition; Hereditary Cancer Syndrome; Hereditary neoplastic syndrome; Neoplastic Syndromes, Hereditary. Identifiers: Orphanet 140162, MedGen C0027672, MeSH D009386, MONDO:0015356.
Gastrointestinal stromal tumor. Also called: Gastrointestinal stroma tumor; Gastrointestinal stromal tumor, somatic. Identifiers: Orphanet 44890, MedGen C0238198, MeSH D046152, MONDO:0011719, OMIM 606764, HP:0100723.

Submissions (2):

Labcorp Genetics (formerly Invitae), Labcorp
Classification: Uncertain significance for Gastrointestinal stromal tumor. Last evaluated: 2025-09-22. Review status: criteria provided, single submitter. Criteria: Invitae Variant Classification Sherloc (09022015). Collection method: clinical testing. Allele origin: germline.
Comment: This sequence change replaces histidine, which is basic and polar, with arginine, which is basic and polar, at codon 116 of the PDGFRA protein (p.His116Arg). This variant is not present in population databases (gnomAD no frequency). This variant has not been reported in the literature in individuals affected with PDGFRA-related conditions. ClinVar contains an entry for this variant (Variation ID: 1996567). An algorithm developed to predict the effect of missense changes on protein structure and function outputs the following: PolyPhen-2: "Benign". The arginine amino acid residue is found in multiple mammalian species, which suggests that this missense change does not adversely affect protein function. In summary, the available evidence is currently insufficient to determine the role of this variant in disease. Therefore, it has been classified as a Variant of Uncertain Significance.

Ambry Genetics
Classification: Uncertain significance for Hereditary cancer-predisposing syndrome. Last evaluated: 2024-05-27. Review status: criteria provided, single submitter. Criteria: Ambry Variant Classification Scheme 2023. Collection method: clinical testing. Allele origin: germline.
Comment: The p.H116R variant (also known as c.347A>G), located in coding exon 2 of the PDGFRA gene, results from an A to G substitution at nucleotide position 347. The histidine at codon 116 is replaced by arginine, an amino acid with highly similar properties. This amino acid position is conserved. In addition, this alteration is predicted to be tolerated by in silico analysis. Based on the available evidence, the clinical significance of this variant remains unclear.